The following is an entry in ClinVar:

NM_001429.4(EP300):c.2225del (p.Pro742fs)

Gene: EP300 (EP300 lysine acetyltransferase; plus strand). Cytogenetic location: 22q13.2.
Variant type: Deletion.
Coding change: c.2225del on transcript NM_001429.4 (MANE Select); coding-DNA position 2225, one base deleted (C; older notation c.2225delC).
Protein change: p.Pro742fs; shifts the reading frame from proline 742.
Molecular consequence: frameshift variant.
Genome position (GRCh38, 1-based): chr22:41,147,930, C deleted; the last of 2 consecutive C bases (chr22:41,147,929-41,147,930); deleting either gives the same sequence. VCF-style (leftmost placement, unchanged base first): chr22-41147928-AC-A. GRCh37 (hg19) VCF-style: chr22-41543932-AC-A.
Other names: c.2147del, p.Pro716fs (NM_001362843.2); short protein forms P742fs, P716fs.
Identifiers: ClinVar variation 1030396 (VCV001030396.4), dbSNP rs2059021664, ClinGen allele CA2406101935.

ClinVar aggregate classification (germline): Pathogenic. Review status: criteria provided, multiple submitters, no conflicts (2 of 4 stars). 2 submissions from 2 submitters: Pathogenic (2). Last evaluated 2022-02-01.

Conditions:
Rubinstein-Taybi syndrome due to EP300 haploinsufficiency. Also called: EP300-Related Rubinstein-Taybi Syndrome; RUBINSTEIN-TAYBI SYNDROME 2. Identifiers: Orphanet 353284, Orphanet 783, MedGen C3150941, MONDO:0013364, OMIM 613684.

Submissions (2):

Daryl Scott Lab, Baylor College of Medicine
Classification: Pathogenic for Rubinstein-Taybi syndrome due to EP300 haploinsufficiency. Last evaluated: 2022-02-01. Review status: criteria provided, single submitter. Criteria: ACMG Guidelines, 2015. Collection method: clinical testing. Allele origin: unknown. Affected: yes. Observed: 1 variant allele.

Baylor Genetics
Classification: Pathogenic for Rubinstein-Taybi syndrome due to EP300 haploinsufficiency. Last evaluated: 2019-05-30. Review status: criteria provided, single submitter. Criteria: ACMG Guidelines, 2015. Collection method: clinical testing. Allele origin: unknown. Affected: yes.
Comment: This variant was determined to be pathogenic according to ACMG Guidelines, 2015 [PMID:25741868].

Literature cited by the submitters: PubMed 36474027 (cited by Daryl Scott Lab, Baylor College of Medicine).